The following is an entry in ClinVar:

NM_000181.4(GUSB):c.1877A>G (p.Tyr626Cys)

Gene: GUSB (glucuronidase beta; minus strand). Cytogenetic location: 7q11.21.
Variant type: single nucleotide variant.
Coding change: c.1877A>G on transcript NM_000181.4 (MANE Select); coding-DNA position 1877, A replaced by G.
Protein change: p.Tyr626Cys; replaces tyrosine 626 with cysteine.
Molecular consequence: missense variant. On other transcripts: non-coding transcript variant (1).
Genome position (GRCh38, 1-based): chr7:65,960,976, T>C on the plus strand (A>G on the coding strand, the complement: GUSB is on the minus strand). VCF-style: chr7-65960976-T-C. GRCh37 (hg19) VCF-style: chr7-65425963-T-C.
Other names: c.1439A>G, p.Tyr480Cys (NM_001284290.2); c.1307A>G, p.Tyr436Cys (NM_001293104.2); c.1220A>G, p.Tyr407Cys (NM_001293105.2); short protein forms Y407C, Y436C, Y626C, Y480C.
Identifiers: ClinVar variation 2104924 (VCV002104924.4), dbSNP rs2484733592, ClinGen allele CA367637259.

ClinVar aggregate classification (germline): Uncertain significance (1 of 4 stars; one submission).

Conditions:
Mucopolysaccharidosis type 7 (MPS7). Also called: GUSB DEFICIENCY; BETA-GLUCURONIDASE DEFICIENCY; SLY SYNDROME; MPS VII. Identifiers: Orphanet 584, MedGen C0085132, MONDO:0009662, OMIM 253220.

Allele frequency attached by ClinVar (database versions not stated): gnomAD exomes below 0.00001.
gnomAD v4.1: 3 of 1,613,684 alleles (0.00019%); highest among the groups gnomAD compares: Non-Finnish European, 0.00025%; no homozygotes.

Submission:

Labcorp Genetics (formerly Invitae), Labcorp
Classification: Uncertain significance for Mucopolysaccharidosis type 7. Last evaluated: 2022-03-01. Review status: criteria provided, single submitter. Criteria: Invitae Variant Classification Sherloc (09022015). Collection method: clinical testing. Allele origin: germline.
Comment: Algorithms developed to predict the effect of missense changes on protein structure and function are either unavailable or do not agree on the potential impact of this missense change (SIFT: "Deleterious"; PolyPhen-2: "Probably Damaging"; Align-GVGD: "Class C0"). In summary, the available evidence is currently insufficient to determine the role of this variant in disease. Therefore, it has been classified as a Variant of Uncertain Significance. This variant has not been reported in the literature in individuals affected with GUSB-related conditions. This variant is not present in population databases (gnomAD no frequency). This sequence change replaces tyrosine, which is neutral and polar, with cysteine, which is neutral and slightly polar, at codon 626 of the GUSB protein (p.Tyr626Cys).